The following is an entry in ClinVar:

ClinVar aggregate classification (germline): Uncertain significance (1 of 4 stars; one submission).

Conditions:
Familial infantile myasthenia (CMS6). Also called: MYASTHENIC SYNDROME, CONGENITAL, 6, PRESYNAPTIC; MYASTHENIC SYNDROME, PRESYNAPTIC, CONGENITAL, ASSOCIATED WITH EPISODIC APNEA; Congenital myasthenic syndrome type 6. Identifiers: Orphanet 590, MedGen C0393929, MONDO:0009689, OMIM 254210.

Allele frequency attached by ClinVar (database versions not stated): gnomAD exomes below 0.00001; ExAC 0.00001.
gnomAD v4.1: 2 of 1,614,234 alleles (0.00012%); highest among the groups gnomAD compares: African/African-American, 0.0013%; no homozygotes.

Submission:

Labcorp Genetics (formerly Invitae), Labcorp
Classification: Uncertain significance for Familial infantile myasthenia. Last evaluated: 2020-12-25. Review status: criteria provided, single submitter. Criteria: Invitae Variant Classification Sherloc (09022015). Collection method: clinical testing. Allele origin: germline.
Comment: In summary, the available evidence is currently insufficient to determine the role of this variant in disease. Therefore, it has been classified as a Variant of Uncertain Significance. Advanced modeling of protein sequence and biophysical properties (such as structural, functional, and spatial information, amino acid conservation, physicochemical variation, residue mobility, and thermodynamic stability) performed at Invitae indicates that this missense variant is not expected to disrupt CHAT protein function. This variant has not been reported in the literature in individuals with CHAT-related conditions. This variant is present in population databases (rs747366078, ExAC 0.002%). This sequence change replaces valine with leucine at codon 388 of the CHAT protein (p.Val388Leu). The valine residue is highly conserved and there is a small physicochemical difference between valine and leucine.

NM_020549.5(CHAT):c.1162G>C (p.Val388Leu)

Gene: CHAT (choline O-acetyltransferase; plus strand). Cytogenetic location: 10q11.23.
Variant type: single nucleotide variant.
Coding change: c.1162G>C on transcript NM_020549.5 (MANE Select); coding-DNA position 1162, G replaced by C.
Protein change: p.Val388Leu; replaces valine 388 with leucine.
Molecular consequence: missense variant.
Genome position (GRCh38, 1-based): chr10:49,646,555, G>C. VCF-style: chr10-49646555-G-C. GRCh37 (hg19) VCF-style: chr10-50854601-G-C.
Other names: c.808G>C, p.Val270Leu (NM_001142929.2, NM_001142934.2, NM_020984.4 and 2 more transcripts); c.916G>C, p.Val306Leu (NM_001142933.2); short protein forms V270L, V306L, V388L.
Identifiers: ClinVar variation 1450004 (VCV001450004.8), dbSNP rs747366078, ClinGen allele CA5497400.